The following is an entry in ClinVar:

NM_001127208.3(TET2):c.3183A>G (p.Pro1061=)

Genes: TET2 (tet methylcytosine dioxygenase 2; plus strand), TET2-AS1 (TET2 antisense RNA 1; minus strand). Cytogenetic location: 4q24.
Variant type: single nucleotide variant.
Coding change: c.3183A>G on transcript NM_001127208.3 (MANE Select); coding-DNA position 3183, A replaced by G.
Protein change: p.Pro1061=; no amino-acid change (proline 1061 retained).
Molecular consequence: synonymous variant.
Genome position (GRCh38, 1-based): chr4:105,237,125, A>G. VCF-style: chr4-105237125-A-G. GRCh37 (hg19) VCF-style: chr4-106158282-A-G.
Other names: p.Pro1061=; c.3183A>G, p.Pro1061= (NM_017628.4).
Identifiers: ClinVar variation 4684795 (VCV004684795.1).

ClinVar aggregate classification (germline): Likely benign (1 of 4 stars; one submission).

gnomAD v4.1: 17 of 1,614,182 alleles (0.0011%); highest among the groups gnomAD compares: African/African-American, 0.0027%; no homozygotes.

Submission:

Mayo Clinic Laboratories, Mayo Clinic
Classification: Likely benign. Last evaluated: 2025-01-14. Review status: criteria provided, single submitter. Criteria: ACMG Guidelines, 2015. Collection method: clinical testing. Allele origin: germline. Observed: 1 variant allele.
Comment: BP4, BP7, PM2_supporting